The following is an entry in ClinVar:

NM_001130438.3(SPTAN1):c.3562A>G (p.Thr1188Ala)

Gene: SPTAN1 (spectrin alpha, non-erythrocytic 1; plus strand). Cytogenetic location: 9q34.11.
Variant type: single nucleotide variant.
Coding change: c.3562A>G on transcript NM_001130438.3 (MANE Select); coding-DNA position 3562, A replaced by G.
Protein change: p.Thr1188Ala; replaces threonine 1188 with alanine.
Molecular consequence: missense variant.
Genome position (GRCh38, 1-based): chr9:128,600,098, A>G. VCF-style: chr9-128600098-A-G. GRCh37 (hg19) VCF-style: chr9-131362377-A-G.
Other names: c.3502A>G, p.Thr1168Ala (NM_001195532.2, NM_001363765.2, NM_001375314.2); c.3562A>G, p.Thr1188Ala (NM_001363759.2, NM_001375310.1, NM_001375311.2 and 2 more transcripts); c.3598A>G, p.Thr1200Ala (NM_001375312.2, NM_001375318.1); short protein forms T1168A, T1200A, T1188A.
Identifiers: ClinVar variation 1447684 (VCV001447684.7), dbSNP rs2131475357, ClinGen allele CA375062639.

ClinVar aggregate classification (germline): Uncertain significance (1 of 4 stars; one submission).

Conditions:
Early-infantile DEE. Also called: Early infantile epileptic encephalopathy; Ohtahara syndrome; Early infantile epileptic encephalopathy with suppression bursts. Identifiers: Orphanet 1934, MedGen C0393706, MONDO:0800491.

Submission:

Labcorp Genetics (formerly Invitae), Labcorp
Classification: Uncertain significance for Early-infantile DEE. Last evaluated: 2025-08-11. Review status: criteria provided, single submitter. Criteria: Invitae Variant Classification Sherloc (09022015). Collection method: clinical testing. Allele origin: germline.
Comment: This sequence change replaces threonine, which is neutral and polar, with alanine, which is neutral and non-polar, at codon 1188 of the SPTAN1 protein (p.Thr1188Ala). This variant is not present in population databases (gnomAD no frequency). This variant has not been reported in the literature in individuals affected with SPTAN1-related conditions. ClinVar contains an entry for this variant (Variation ID: 1447684). An algorithm developed to predict the effect of missense changes on protein structure and function outputs the following: PolyPhen-2: "Benign". The alanine amino acid residue is found in multiple mammalian species, which suggests that this missense change does not adversely affect protein function. In summary, the available evidence is currently insufficient to determine the role of this variant in disease. Therefore, it has been classified as a Variant of Uncertain Significance.